The following is an entry in ClinVar:

NM_000170.3(GLDC):c.2097C>A (p.Tyr699Ter)

Gene: GLDC (glycine decarboxylase; minus strand). Cytogenetic location: 9p24.1.
Variant type: single nucleotide variant.
Coding change: c.2097C>A on transcript NM_000170.3 (MANE Select); coding-DNA position 2097, C replaced by A.
Protein change: p.Tyr699Ter; replaces tyrosine 699 with a stop codon.
Molecular consequence: nonsense.
Genome position (GRCh38, 1-based): chr9:6,556,258, G>T on the plus strand (C>A on the coding strand, the complement: GLDC is on the minus strand). VCF-style: chr9-6556258-G-T. GRCh37 (hg19) VCF-style: chr9-6556258-G-T.
Other names: short protein forms Y699*.
Identifiers: ClinVar variation 4817857 (VCV004817857.1).

ClinVar aggregate classification (germline): Likely pathogenic (1 of 4 stars; one submission).

Conditions:
Glycine encephalopathy. Also called: Nonketotic hyperglycinemia; Non-ketotic hyperglycinemia. Identifiers: Orphanet 407, MedGen C0751748, MONDO:0011612, HP:0008288.

Submission:

Natera, Inc.
Classification: Likely pathogenic for Non-ketotic hyperglycinemia. Last evaluated: 2025-10-10. Review status: criteria provided, single submitter. Criteria: Natera Variant Classification Schema (03/2026). Collection method: clinical testing. Allele origin: germline.
Comment: The c.2097C>A variant in GLDC is a nonsense variant predicted to introduce a stop codon at amino acid 699. This variant is expected to result in nonsense mediated decay, truncation, or a dysfunctional protein product. This variant is rare in the general population with a frequency below the threshold expected for the associated phenotype(s). Given the available evidence, this variant is classified as Likely Pathogenic.